The following is an entry in ClinVar:

NM_001042492.3(NF1):c.7165G>T (p.Ala2389Ser)

Gene: NF1 (neurofibromin 1; plus strand). Cytogenetic location: 17q11.2.
Variant type: single nucleotide variant.
Coding change: c.7165G>T on transcript NM_001042492.3 (MANE Select); coding-DNA position 7165, G replaced by T.
Protein change: p.Ala2389Ser; replaces alanine 2389 with serine.
Molecular consequence: missense variant.
Genome position (GRCh38, 1-based): chr17:31,343,111, G>T. VCF-style: chr17-31343111-G-T. GRCh37 (hg19) VCF-style: chr17-29670129-G-T.
Other names: c.7102G>T, p.Ala2368Ser (NM_000267.4); short protein forms A2368S, A2389S.
Identifiers: ClinVar variation 2505556 (VCV002505556.1), dbSNP rs1936622464, ClinGen allele CA399015737.

ClinVar aggregate classification (germline): Likely benign (1 of 4 stars; one submission).

Conditions:
Neurofibromatosis, type 1 (NF1). Also called: Peripheral type neurofibromatosis; Neurofibromatosis, type I; VON RECKLINGHAUSEN DISEASE; NEUROFIBROMATOSIS, TYPE I, SOMATIC. Identifiers: Orphanet 636, MedGen C0027831, MONDO:0018975, OMIM 162200. Disease mechanism: loss of function.

Submission:

Dr. med. U. Finckh, Human Genetics, Eurofins MVZ
Classification: Likely benign for Neurofibromatosis, type 1. Review status: criteria provided, single submitter. Criteria: ACMG Guidelines, 2015. Collection method: clinical testing. Allele origin: maternal. Affected: no.